The following is an entry in ClinVar:

ClinVar aggregate classification (germline): Uncertain significance (1 of 4 stars; one submission).

Submission:

GeneDx
Classification: Uncertain significance. Last evaluated: 2025-01-29. Review status: criteria provided, single submitter. Criteria: GeneDx Variant Classification Process June 2021. Collection method: clinical testing. Allele origin: germline. Affected: yes.
Comment: Not observed at significant frequency in large population cohorts (gnomAD); In silico analysis indicates that this missense variant does not alter protein structure/function; Has not been previously published as pathogenic or benign to our knowledge

NM_001292063.2(OTOG):c.5691G>A (p.Met1897Ile)

Gene: OTOG (otogelin; plus strand). Cytogenetic location: 11p15.1.
Variant type: single nucleotide variant.
Coding change: c.5691G>A on transcript NM_001292063.2 (MANE Select); coding-DNA position 5691, G replaced by A.
Protein change: p.Met1897Ile; replaces methionine 1897 with isoleucine.
Molecular consequence: missense variant.
Genome position (GRCh38, 1-based): chr11:17,610,991, G>A. VCF-style: chr11-17610991-G-A. GRCh37 (hg19) VCF-style: chr11-17632538-G-A.
Other names: c.5727G>A, p.Met1909Ile (NM_001277269.2); short protein forms M1897I, M1909I.
Identifiers: ClinVar variation 4072558 (VCV004072558.1).